The following is an entry in ClinVar:

NM_000169.3(GLA):c.581C>A (p.Thr194Asn)

Genes: GLA (galactosidase alpha; minus strand), RPL36A-HNRNPH2 (RPL36A-HNRNPH2 readthrough; plus strand). Cytogenetic location: Xq22.1.
Variant type: single nucleotide variant.
Coding change: c.581C>A on transcript NM_000169.3 (MANE Select); coding-DNA position 581, C replaced by A.
Protein change: p.Thr194Asn; replaces threonine 194 with asparagine.
Molecular consequence: missense variant. On other transcripts: non-coding transcript variant (2), intron variant (2).
Genome position (GRCh38, 1-based): chrX:101,400,724, G>T on the plus strand (C>A on the coding strand, the complement: GLA is on the minus strand). VCF-style: chrX-101400724-G-T. GRCh37 (hg19) VCF-style: chrX-100655712-G-T.
Other names: c.704C>A, p.Thr235Asn (NM_001406747.1); c.581C>A, p.Thr194Asn (NM_001406748.1); c.300+5267G>T (NM_001199973.2); c.177+8902G>T (NM_001199974.2); short protein forms T194N, T235N.
Identifiers: ClinVar variation 4856604 (VCV004856604.1).
Genomic context (GRCh38, chrX:101,400,724, plus strand): 5'-ACCTTTTGAAAGGGCCACATATAAAGAGGCCACTCACAGGAGTACACAATGCTTCTGCCA[G>T]TCCTATTCAGGGCCAAGGACATGTGCTTATAACCTGTATGAGAAAACAATGGGTAAAATA-3'
Protein context (NP_000160.1, residues 184-204): YKHMSLALNR[Thr194Asn]GRSIVYSCEW

ClinVar aggregate classification (germline): Likely pathogenic (1 of 4 stars; one submission).

Conditions:
Fabry disease. Also called: Fabry's disease; GLA DEFICIENCY; HEREDITARY DYSTOPIC LIPIDOSIS; Ceramide trihexosidosis; Angiokeratoma corporis diffusum; ALPHA-GALACTOSIDASE A DEFICIENCY. Identifiers: Orphanet 324, MedGen C0002986, MONDO:0010526, OMIM 301500, HP:0001071. Disease mechanism: Fabry disease is due to inactivating mutations in the X-linked GLA gene resulting in deficiency of the enzyme Alpha Galactosidase-A., loss of function.

Submission:

Serv. Biochemistry and Molecular genetics, Hospital Clinic de Barcelona, Hospital Clínic de Barcelona
Classification: Likely pathogenic for Fabry disease. Last evaluated: 2026-05-21. Review status: criteria provided, single submitter. Criteria: ACMG Guidelines, 2015. Collection method: clinical testing. Allele origin: germline. Inheritance: X-linked inheritance. Affected: no. Observed: 1 variant allele.
Comment: Classification reported in the manuscript using ACMG criteria/in silico tools: Likely Pathogenic. Variant type: Missense; amino acid change: p.Thr194Asn. Criteria: PM1, PM2, PM5, PP2, PP3